The following is an entry in ClinVar:

ClinVar aggregate classification (germline): Conflicting classifications of pathogenicity. Review status: criteria provided, conflicting classifications (1 of 4 stars). 31 submissions from 30 submitters: Uncertain significance (1); Benign (8); Likely benign (14). 8 of the submissions do not count toward it. Last evaluated 2026-09-01.

Conditions:
Colorectal cancer. Also called: Colorectal cancer, somatic; Malignant Colorectal Neoplasm. Identifiers: MedGen C0346629, MONDO:0005575, OMIM 114500.
Nonpapillary renal cell carcinoma. Identifiers: Orphanet 422526, MedGen CN074294, MONDO:0007763, OMIM 144700.
Birt-Hogg-Dube syndrome 1 (BHD1). Also called: FIBROFOLLICULOMAS WITH TRICHODISCOMAS AND ACROCHORDONS. Identifiers: Orphanet 122, MedGen CN375946, MONDO:0800445, OMIM 135150.
17p11.2 microduplication syndrome (PTLS). Also called: CHROMOSOME 17p11.2 DUPLICATION SYNDROME; Potocki-Lupski syndrome; Duplication 17p11.2 syndrome; Potocki-Lupski syndrome (dup(17)(p11.2p11.2)). Identifiers: Orphanet 1713, MedGen C2931246, MONDO:0012574, OMIM 610883.
Familial spontaneous pneumothorax (PSP). Identifiers: Orphanet 2903, MedGen C1868193, MONDO:0008259, OMIM 173600.
Hereditary cancer-predisposing syndrome. Also called: Neoplastic Syndromes, Hereditary; Tumor predisposition; Hereditary Cancer Syndrome; Hereditary neoplastic syndrome. Identifiers: Orphanet 140162, MedGen C0027672, MeSH D009386, MONDO:0015356.
Carcinoma of colon (CRC). Also called: Colon carcinoma; Colonic carcinoma. Identifiers: MedGen C0699790, MONDO:0002032.
Birt-Hogg-Dube syndrome. Also called: Birt Hogg Dubé syndrome. Identifiers: Orphanet 122, MedGen C0346010, MONDO:0800444.

Allele frequency attached by ClinVar (database versions not stated): 1000 Genomes Project 0.00080; gnomAD 0.00217; 1000 Genomes Project 30x 0.00078; gnomAD exomes 0.00264; TOPMed 0.00213; ExAC 0.00272.

Submissions 1 to 20 of 31:

CeGaT Center for Human Genetics Tuebingen
Classification: Benign. Last evaluated: 2026-09-01. Review status: criteria provided, single submitter. Criteria: CeGaT Center For Human Genetics Tuebingen Variant Classification Criteria Version 2. Collection method: clinical testing. Allele origin: germline. Affected: yes. Observed: 65 variant alleles.
Comment: FLCN: BP4, BS1, BS2

Labcorp Genetics (formerly Invitae), Labcorp
Classification: Benign for Birt-Hogg-Dube syndrome. Last evaluated: 2026-02-04. Review status: criteria provided, single submitter. Criteria: Invitae Variant Classification Sherloc (09022015). Collection method: clinical testing. Allele origin: germline.

Dasa
Classification: Benign. Last evaluated: 2025-12-19. Review status: criteria provided, single submitter. Criteria: DASA Assertion Criteria. Collection method: clinical testing. Allele origin: germline.
Comment: NM_144997.7(FLCN):c.1333G>A (p.Ala445Thr) is a missense variant that results in the substitution of alanine with threonine. Population frequency is inconsistent with a disease-causing role for this variant. Computational prediction algorithms are consistent with a benign effect. Therefore, based on the currently available evidence, this variant is classified as benign.

Quest Diagnostics Nichols Institute San Juan Capistrano
Classification: Benign. Last evaluated: 2025-07-01. Review status: criteria provided, single submitter. Criteria: Quest Diagnostics criteria. Collection method: clinical testing. Allele origin: unknown.

Center for Genomic Medicine, Rigshospitalet, Copenhagen University Hospital
Classification: Likely benign. Last evaluated: 2025-03-04. Review status: criteria provided, single submitter. Criteria: ACMG Guidelines, 2015. Collection method: clinical testing. Allele origin: germline.

Mayo Clinic Laboratories, Mayo Clinic
Classification: Likely benign. Last evaluated: 2025-01-05. Review status: criteria provided, single submitter. Criteria: ACMG Guidelines, 2015. Collection method: clinical testing. Allele origin: germline. Observed: 4 variant alleles.
Comment: BS1, BP4

Blueprint Genetics
Classification: Likely benign. Last evaluated: 2024-11-28. Review status: criteria provided, single submitter. Criteria: ACMG Guidelines, 2015. Collection method: clinical testing. Allele origin: germline.

Myriad Genetics, Inc.
Classification: Benign for Birt-Hogg-Dube syndrome 1. Last evaluated: 2023-07-06. Review status: criteria provided, single submitter. Criteria: Myriad Autosomal Dominant, Autosomal Recessive and X-Linked Classification Criteria (2023). Collection method: clinical testing. Allele origin: unknown.
Comment: This variant is considered benign. This variant has been observed at a population frequency that is significantly greater than expected given the associated disease prevalence and penetrance. Homozygosity has been confirmed in one or more individuals. As homozygosity for pathogenic variants in this gene is generally assumed to result in embryonic lethality, this variant is unlikely to be pathogenic.

Department of Pathology and Laboratory Medicine, Sinai Health System
Classification: Benign for Colorectal cancer; Birt-Hogg-Dube syndrome 1; Nonpapillary renal cell carcinoma; Familial spontaneous pneumothorax; 17p11.2 microduplication syndrome. Last evaluated: 2023-03-03. Review status: criteria provided, single submitter. Criteria: ACMG Guidelines, 2015. Collection method: clinical testing. Allele origin: germline. Affected: no.

Genetic Services Laboratory, University of Chicago
Classification: Likely benign. Last evaluated: 2021-11-10. Review status: criteria provided, single submitter. Criteria: ACMG Guidelines, 2015. Collection method: clinical testing. Allele origin: germline. Affected: no.

Institute for Clinical Genetics, University Hospital TU Dresden, University Hospital TU Dresden
Classification: Likely benign. Last evaluated: 2021-11-03. Review status: criteria provided, single submitter. Criteria: ACMG Guidelines, 2015. Collection method: clinical testing. Allele origin: germline.

ARUP Laboratories, Molecular Genetics and Genomics, ARUP Laboratories
Classification: Likely benign. Last evaluated: 2021-08-30. Review status: criteria provided, single submitter. Criteria: ARUP Molecular Germline Variant Investigation Process 2021. Collection method: clinical testing. Allele origin: germline.

GeneDx
Classification: Likely benign. Last evaluated: 2021-06-21. Review status: criteria provided, single submitter. Criteria: GeneDx Variant Classification Process June 2021. Collection method: clinical testing. Allele origin: germline. Affected: yes.
Comment: This variant is associated with the following publications: (PMID: 22703879, 20522427, 21937013, 24728327, 19116017, 12843323, 29357828)

Women's Health and Genetics/Laboratory Corporation of America, LabCorp
Classification: Likely benign. Last evaluated: 2020-12-03. Review status: criteria provided, single submitter. Criteria: LabCorp Variant Classification Summary - May 2015. Collection method: clinical testing. Allele origin: germline.
Comment: Variant summary: FLCN c.1333G>A (p.Ala445Thr) results in a non-conservative amino acid change in the encoded protein sequence. Four of five in-silico tools predict a benign effect of the variant on protein function. The variant allele was found at a frequency of 0.0026 in 251048 control chromosomes in the gnomAD database, including 3 homozygotes. The observed variant frequency greatly exceeds the estimated maximal expected allele frequency for a pathogenic variant in FLCN causing Birt-Hogg-Dube Syndrome phenotype (1.3e-06), strongly suggesting that the variant is benign. c.1333G>A has been reported in the literature in individuals affected with Birt-Hogg-Dube Syndrome (Kahnoski_2003), without strong evidence of causality. These reports do not provide unequivocal conclusions about association of the variant with Birt-Hogg-Dube Syndrome. To our knowledge, no experimental evidence demonstrating an impact on protein function has been reported. 12 clinical diagnostic laboratories have submitted clinical-significance assessments for this variant to ClinVar after 2014 without evidence for independent evaluation. Multiple laboratories reported the variant with conflicting assessments, 10 classify as likely benign/benign while 2 classify as VUS. Based on the evidence outlined above, the variant was classified as likely benign.

Sema4
Classification: Benign for Hereditary cancer-predisposing syndrome. Last evaluated: 2020-08-04. Review status: criteria provided, single submitter. Criteria: Sema4 Curation Guidelines. Collection method: curation. Allele origin: germline.

Mendelics
Classification: Likely benign for Birt-Hogg-Dube syndrome 1. Last evaluated: 2019-05-28. Review status: criteria provided, single submitter. Criteria: Mendelics Assertion Criteria 2017. Collection method: clinical testing. Allele origin: unknown.

Institute of Human Genetics, University of Leipzig Medical Center
Classification: Likely benign for Birt-Hogg-Dube syndrome 1. Last evaluated: 2019-01-01. Review status: criteria provided, single submitter. Criteria: ACMG Guidelines, 2015. Collection method: clinical testing. Allele origin: unknown. Affected: no.

Equipe Genetique des Anomalies du Developpement, Université de Bourgogne
Classification: Uncertain significance for Birt-Hogg-Dube syndrome 1. Last evaluated: 2018-11-21. Review status: criteria provided, single submitter. Criteria: ACMG Guidelines, 2015. Collection method: clinical testing. Allele origin: unknown.

Ambry Genetics
Classification: Likely benign for Hereditary cancer-predisposing syndrome. Last evaluated: 2018-10-30. Review status: criteria provided, single submitter. Criteria: Ambry Variant Classification Scheme 2023. Collection method: clinical testing. Allele origin: germline.

Illumina Laboratory Services, Illumina
Classification: Benign for Birt-Hogg-Dube syndrome 1. Last evaluated: 2018-01-13. Review status: criteria provided, single submitter. Criteria: ICSL Variant Classification Criteria 13 December 2019. Collection method: clinical testing. Allele origin: germline.
Comment: This variant was observed in the ICSL laboratory as part of a predisposition screen in an ostensibly healthy population. It had not been previously curated by ICSL or reported in the Human Gene Mutation Database (HGMD: prior to June 1st, 2018), and was therefore a candidate for classification through an automated scoring system. Utilizing variant allele frequency, disease prevalence and penetrance estimates, and inheritance mode, an automated score was calculated to assess if this variant is too frequent to cause the disease. Based on the score and internal cut-off values, a variant classified as benign is not then subjected to further curation. The score for this variant resulted in a classification of benign for this disease.

NM_144997.7(FLCN):c.1333G>A (p.Ala445Thr)

Gene: FLCN (folliculin; minus strand). Cytogenetic location: 17p11.2.
Variant type: single nucleotide variant.
Coding change: c.1333G>A on transcript NM_144997.7 (MANE Select); coding-DNA position 1333, G replaced by A.
Protein change: p.Ala445Thr; replaces alanine 445 with threonine.
Molecular consequence: missense variant.
Genome position (GRCh38, 1-based): chr17:17,215,284, C>T on the plus strand (G>A on the coding strand, the complement: FLCN is on the minus strand). VCF-style: chr17-17215284-C-T. GRCh37 (hg19) VCF-style: chr17-17118598-C-T.
Other names: c.1333G>A (NM_144997.6); c.1387G>A, p.Ala463Thr (NM_001353229.2); c.1333G>A, p.Ala445Thr (NM_001353230.2, NM_001353231.2); short protein forms A445T, A463T.
Identifiers: ClinVar variation 3370 (VCV000003370.94), dbSNP rs41419545, ClinGen allele CA159795.